The following is an entry in ClinVar:

ClinVar aggregate classification (germline): Uncertain significance. Review status: criteria provided, multiple submitters, no conflicts (2 of 4 stars). 2 submissions from 2 submitters: Uncertain significance (2). Last evaluated 2024-02-07.

Conditions:
Breast-ovarian cancer, familial, susceptibility to, 1 (BROVCA1). Also called: BRCA1 Hereditary Breast and Ovarian Cancer; OVARIAN CANCER, SUSCEPTIBILITY TO. Identifiers: Orphanet 145, MedGen C2676676, MONDO:0011450, OMIM 604370. Disease mechanism: loss of function.
Hereditary cancer-predisposing syndrome. Also called: Hereditary neoplastic syndrome; Tumor predisposition; Neoplastic Syndromes, Hereditary; Hereditary Cancer Syndrome. Identifiers: Orphanet 140162, MedGen C0027672, MeSH D009386, MONDO:0015356.

Submissions (2):

Baylor Genetics
Classification: Uncertain significance for Breast-ovarian cancer, familial, susceptibility to, 1. Last evaluated: 2024-02-07. Review status: criteria provided, single submitter. Criteria: ACMG Guidelines, 2015. Collection method: clinical testing. Allele origin: unknown.

Color Diagnostics, LLC DBA Color Health
Classification: Uncertain significance for Hereditary cancer-predisposing syndrome. Last evaluated: 2020-02-18. Review status: criteria provided, single submitter. Criteria: ACMG Guidelines, 2015. Collection method: clinical testing. Allele origin: germline.
Comment: This missense variant replaces histidine with proline at codon 1421 of the BRCA1 protein. Computational prediction suggests that this variant may not impact protein structure and function (internally defined REVEL score threshold <= 0.5, PMID: 27666373). Splice site prediction tools suggest that this variant may not impact RNA splicing. To our knowledge, functional studies have not been performed for this variant. This variant has not been reported in individuals affected with hereditary cancer in the literature. This variant has not been identified in the general population by the Genome Aggregation Database (gnomAD). The available evidence is insufficient to determine the role of this variant in disease conclusively. Therefore, this variant is classified as a Variant of Uncertain Significance.

NM_007294.4(BRCA1):c.4262A>C (p.His1421Pro)

Gene: BRCA1 (BRCA1 DNA repair associated; minus strand). Cytogenetic location: 17q21.31.
Variant type: single nucleotide variant.
Coding change: c.4262A>C on transcript NM_007294.4 (MANE Select); coding-DNA position 4262, A replaced by C.
Protein change: p.His1421Pro; replaces histidine 1421 with proline.
Molecular consequence: missense variant. On other transcripts: non-coding transcript variant (1).
Genome position (GRCh38, 1-based): chr17:43,082,499, T>G on the plus strand (A>C on the coding strand, the complement: BRCA1 is on the minus strand). VCF-style: chr17-43082499-T-G. GRCh37 (hg19) VCF-style: chr17-41234516-T-G.
Other names: c.830A>C, p.His277Pro (NM_001408430.1, NM_001408436.1, NM_001408437.1 and 8 more transcripts); c.833A>C, p.His278Pro (NM_001408431.1, NM_001408421.1, NM_001408424.1); c.827A>C, p.His276Pro (NM_001408432.1, NM_001408433.1, NM_001408434.1 and 10 more transcripts); c.818A>C, p.His273Pro (NM_001408451.1); c.812A>C, p.His271Pro (NM_001408452.1, NM_001408453.1, NM_001408454.1 and 8 more transcripts); c.809A>C, p.His270Pro (NM_001408462.1, NM_001408463.1, NM_001408464.1 and 5 more transcripts); c.806A>C, p.His269Pro (NM_001408470.1); c.950A>C, p.His317Pro (NM_001408472.1, NM_001408473.1, NM_001407972.1 and 18 more transcripts); and 51 more; short protein forms H1421P, H318P, H1374P, H1331P, H1350P, H1353P, H1378P, H1393P.
Identifiers: ClinVar variation 924853 (VCV000924853.5), dbSNP rs80357079, ClinGen allele CA10593198.